The following is an entry in ClinVar:

ClinVar aggregate classification (germline): Uncertain significance (1 of 4 stars; one submission).

Submission:

Labcorp Genetics (formerly Invitae), Labcorp
Classification: Uncertain significance. Last evaluated: 2021-11-27. Review status: criteria provided, single submitter. Criteria: Invitae Variant Classification Sherloc (09022015). Collection method: clinical testing. Allele origin: germline.
Comment: A copy number gain of the genomic region encompassing the full coding sequence of the MRAS gene has been identified. The boundaries of this event are unknown as they extend beyond the assayed region for this gene and therefore may encompass additional genes. As the precise location of this event is unknown, it may be in tandem or it may be located elsewhere in the genome. This variant has not been reported in the literature in individuals affected with MRAS-related conditions. In summary, the available evidence is currently insufficient to determine the role of this variant in disease. Therefore, it has been classified as a Variant of Uncertain Significance.

NC_000003.11:g.(?_138091726)_(138121111_?)dup

Gene: MRAS (muscle RAS oncogene homolog; plus strand). Cytogenetic location: 3q22.3.
Variant type: Duplication.
Identifiers: ClinVar variation 1411717 (VCV001411717.1).